The following is an entry in ClinVar:

NM_000448.3(RAG1):c.1681C>T (p.Arg561Cys)

Gene: RAG1 (recombination activating 1; plus strand). Cytogenetic location: 11p12.
Variant type: single nucleotide variant.
Coding change: c.1681C>T on transcript NM_000448.3 (MANE Select); coding-DNA position 1681, C replaced by T.
Protein change: p.Arg561Cys; replaces arginine 561 with cysteine.
Molecular consequence: missense variant.
Genome position (GRCh38, 1-based): chr11:36,574,985, C>T. VCF-style: chr11-36574985-C-T. GRCh37 (hg19) VCF-style: chr11-36596535-C-T.
Other names: NM_000448.3(RAG1):c.1681C>T; c.1681C>T, p.Arg561Cys (NM_001377277.1, NM_001377278.1, NM_001377279.1 and 1 more transcripts); short protein forms R561C.
Identifiers: ClinVar variation 13148 (VCV000013148.52), dbSNP rs104894285, ClinGen allele CA122901.

ClinVar aggregate classification (germline): Pathogenic. Review status: reviewed by expert panel (3 of 4 stars). 8 submissions from 7 submitters: Pathogenic (1). 7 of the submissions do not count toward it. Last evaluated 2026-04-12.

Conditions:
Recombinase activating gene 1 deficiency. Identifiers: MedGen CN375631, MONDO:0000572.
Severe combined immunodeficiency, autosomal recessive, T cell-negative, B cell-negative, NK cell-positive. Also called: Severe combined immunodeficiency due to complete RAG1/2 deficiency; SCID, AR, T-cell negative, B-cell negative, NK cell-positive; SCID, T CELL-NEGATIVE, B CELL-NEGATIVE, NK CELL-POSITIVE. Identifiers: Orphanet 331206, MedGen C1832322, MONDO:0011086, OMIM 601457.
Combined immunodeficiency with skin granulomas. Identifiers: Orphanet 157949, MedGen C2673536, MONDO:0009306, OMIM 233650.
Severe combined immunodeficiency disease. Also called: Severe Combined Immune Deficiency; Severe combined immunodeficiency. Identifiers: Orphanet 183660, MedGen C0085110, MeSH D016511, MONDO:0015974, HP:0004430. Inheritance: X-Linked or Autosomal recessive.
Severe combined immunodeficiency, B cell-negative. Identifiers: MedGen C1867362.
Combined immunodeficiency due to partial RAG1 deficiency. Identifiers: Orphanet 231154, MedGen C1835931, MONDO:0012359, OMIM 609889.
Histiocytic medullary reticulosis. Also called: SEVERE COMBINED IMMUNODEFICIENCY WITH HYPEREOSINOPHILIA; Omenn syndrome. Identifiers: Orphanet 39041, MedGen C2700553, MONDO:0011338, OMIM 603554.

Allele frequency attached by ClinVar (database versions not stated): TOPMed below 0.00001; gnomAD 0.00001; ExAC 0.00002; gnomAD exomes 0.00002.

Submissions (8):

ClinGen Severe Combined Immunodeficiency Variant Curation Expert Panel, ClinGen
Classification: Pathogenic for Recombinase activating gene 1 deficiency. Last evaluated: 2026-04-12. Review status: reviewed by expert panel. Criteria: ClinGen SCID ACMG Specifications RAG1 V2.1.0. Collection method: curation. Allele origin: germline. Inheritance: Autosomal recessive inheritance.
Comment: The NM_000448.3:c.1618C>T variant in RAG1 is a missense variant predicted to cause substitution of Arginine by Cysteine at amino acid 561 (p.Arg561Cys). The Grpmax Filtering allele frequency of this variant is 0.00001724 in gnomAD v4.1.0, which is lower than the ClinGen SCID-VCEP threshold (< 0.000102) for PM2, therefore, PM2_supporting is met. No homozygotes has been observed. This variant is located within the core domain of RAG1 )amino acids 387-1011), a defined mutational hotspot that is critical to the protein function (PMID: 26996199; PM1_Supporting). This variant has been observed in the compound heterozygous state with other RAG1 variants in eight patients diagnosed with OS or SCID (PMID:17572155, 16960852, 31031743, 32655540, 28747913, 11133745, 32311393). The accompanying variants are c.1211G>A (p.Arg404Gln) c.1871G>A (p.Arg624His), c.2930 del (p.Met977ArgfsTer15), c.2146C>T (p.Arg716Trp), c.1519C>T (p.Arg507Trp), c.2210G>A (p.Arg737His), c.2561G>A (p.Gly854Asp) and c.1815G>C (p.Met605Ile). The first four variants have been classified as pathogenic or likely pathogenic by the SCID VCEP (4 points), while other four have not been curated. In total 3.0 points were assigned, meeting PM3_Very Strong criterion. At least one patient was diagnosed with atypical SCID (0.5 pt), and Lymphocyte subset analysis demonstrated a T-B-NK+ immunophenotype (0.5 point; PMID: 11133745). In total 1.0 point were assigned, meeting the PP4 criterion. An in vitro V(D)J recombination activity assay showed that the variant retains 3.2  0.5% of wild type activity, supporting a damaging effect on the protein (PS3_Moderate, Data from Dr. Notarangelo lab). In summary, this variant meets the criteria to be classified as a Pathogenic variant for autosomal recessive severe combined immunodeficiency due to RAG1 deficiency based on the ACMG/AMP criteria applied, as specified by the ClinGen SCID VCEP: PM3_Very Strong, PM1_supporting, PS3_Moderate, PM2_supporting, PP4 (VCEP specifications version 2.1.0).

Labcorp Genetics (formerly Invitae), Labcorp
Classification: Pathogenic for Combined immunodeficiency with skin granulomas; Severe combined immunodeficiency, autosomal recessive, T cell-negative, B cell-negative, NK cell-positive. Last evaluated: 2025-07-20. Review status: criteria provided, single submitter. Criteria: Invitae Variant Classification Sherloc (09022015). Collection method: clinical testing. Allele origin: germline. Not counted in ClinVar's aggregate classification.
Comment: This sequence change replaces arginine, which is basic and polar, with cysteine, which is neutral and slightly polar, at codon 561 of the RAG1 protein (p.Arg561Cys). This variant is present in population databases (rs104894285, gnomAD 0.004%). This missense change has been observed in individuals with severe combined immunodeficiency (SCID) or Omenn Syndrome (PMID: 9630231, 11133745, 26596586; internal data). ClinVar contains an entry for this variant (Variation ID: 13148). Invitae Evidence Modeling of protein sequence and biophysical properties (such as structural, functional, and spatial information, amino acid conservation, physicochemical variation, residue mobility, and thermodynamic stability) indicates that this missense variant is not expected to disrupt RAG1 protein function with a negative predictive value of 80%. This variant disrupts the p.Arg561 amino acid residue in RAG1. Other variant(s) that disrupt this residue have been determined to be pathogenic (PMID: 9630231, 16211094, 24290284, 28783691). This suggests that this residue is clinically significant, and that variants that disrupt this residue are likely to be disease-causing. For these reasons, this variant has been classified as Pathogenic.

Women's Health and Genetics/Laboratory Corporation of America, LabCorp
Classification: Pathogenic for Severe combined immunodeficiency disease. Last evaluated: 2024-08-01. Review status: criteria provided, single submitter. Criteria: LabCorp Variant Classification Summary - May 2015. Collection method: clinical testing. Allele origin: germline. Not counted in ClinVar's aggregate classification.
Comment: Variant summary: RAG1 c.1681C>T (p.Arg561Cys) results in a non-conservative amino acid change in the encoded protein sequence. Five of five in-silico tools predict a damaging effect of the variant on protein function. The variant allele was found at a frequency of 1.6e-05 in 250886 control chromosomes (gnomAD). c.1681C>T has been reported in the literature in multiple individuals affected with Severe Combined Immunodeficiency Syndrome/Omenn Syndrome (e.g. Villa_1998, Villa_2001, Haq_2007, Luk_2017, Cifaldi_2019, Sharapova_2020). These data indicate that the variant is very likely to be associated with disease. A different variant affecting the same codon has been classified as pathogenic by our lab (c.1682G>A, p.Arg561His), supporting the critical relevance of codon 561 to RAG1 protein function. At least one publication reports experimental evidence evaluating an impact on protein function, finding that the variant results in <10% of normal activity (Sharapova_2020). The following publications have been ascertained in the context of this evaluation (PMID: 9630231, 11133745, 17572155, 28747913, 31031743, 32655540). ClinVar contains an entry for this variant (Variation ID: 13148). Based on the evidence outlined above, the variant was classified as pathogenic.

Baylor Genetics
Classification: Pathogenic for Combined immunodeficiency due to partial RAG1 deficiency. Last evaluated: 2023-10-10. Review status: criteria provided, single submitter. Criteria: ACMG Guidelines, 2015. Collection method: clinical testing. Allele origin: unknown. Not counted in ClinVar's aggregate classification.

Genetics and Genomic Medicine Centre, NeuroGen Healthcare, NeuroGen Healthcare
Classification: Pathogenic for Severe combined immunodeficiency, autosomal recessive, T cell-negative, B cell-negative, NK cell-positive. Last evaluated: 2021-02-28. Review status: criteria provided, single submitter. Criteria: Submitter's publication. Collection method: clinical testing. Allele origin: unknown. Affected: no. Not counted in ClinVar's aggregate classification.

CeGaT Center for Human Genetics Tuebingen
Classification: Pathogenic. Last evaluated: 2020-01-01. Review status: criteria provided, single submitter. Criteria: CeGaT Center For Human Genetics Tuebingen Variant Classification Criteria Version 2. Collection method: clinical testing. Allele origin: germline. Affected: yes. Observed: 3 variant alleles. Not counted in ClinVar's aggregate classification.

OMIM
Classification: Pathogenic for OMENN SYNDROME. Last evaluated: 2001-05-01. Review status: no assertion criteria provided. Collection method: literature only. Allele origin: germline. Not counted in ClinVar's aggregate classification.

OMIM
Classification: Pathogenic for SEVERE COMBINED IMMUNODEFICIENCY, B CELL-NEGATIVE. Last evaluated: 2001-05-01. Review status: no assertion criteria provided. Collection method: literature only. Allele origin: germline. Not counted in ClinVar's aggregate classification.

Literature cited by the submitters: PubMed 9630231 (cited by 3 submitters); PubMed 11133745 (cited by Labcorp Genetics (formerly Invitae), Labcorp and Women's Health and Genetics/Laboratory Corporation of America, LabCorp); PubMed 26596586 (cited by Labcorp Genetics (formerly Invitae), Labcorp); PubMed 16211094 (cited by Labcorp Genetics (formerly Invitae), Labcorp); PubMed 24290284 (cited by Labcorp Genetics (formerly Invitae), Labcorp); PubMed 28783691 (cited by Labcorp Genetics (formerly Invitae), Labcorp); PubMed 17572155 (cited by Women's Health and Genetics/Laboratory Corporation of America, LabCorp); PubMed 32655540 (cited by Women's Health and Genetics/Laboratory Corporation of America, LabCorp); PubMed 31031743 (cited by Women's Health and Genetics/Laboratory Corporation of America, LabCorp); PubMed 28747913 (cited by Women's Health and Genetics/Laboratory Corporation of America, LabCorp); PubMed 11313270 (cited by OMIM).